The following is an entry in ClinVar:

ClinVar aggregate classification (germline): Uncertain significance (1 of 4 stars; one submission).

Conditions:
Myofibrillar myopathy 4. Also called: Zaspopathy (type). Identifiers: Orphanet 98912, MedGen C4721886, MONDO:0012277, OMIM 609452.

Allele frequency attached by ClinVar (database versions not stated): gnomAD exomes below 0.00001.
gnomAD v4.1: 1 of 1,613,652 alleles (0.000062%); highest among the groups gnomAD compares: Non-Finnish European, 0.000085%; no homozygotes.

Submission:

Labcorp Genetics (formerly Invitae), Labcorp
Classification: Uncertain significance for Myofibrillar myopathy 4. Last evaluated: 2022-07-26. Review status: criteria provided, single submitter. Criteria: Invitae Variant Classification Sherloc (09022015). Collection method: clinical testing. Allele origin: germline.
Comment: In summary, the available evidence is currently insufficient to determine the role of this variant in disease. Therefore, it has been classified as a Variant of Uncertain Significance. Algorithms developed to predict the effect of missense changes on protein structure and function are either unavailable or do not agree on the potential impact of this missense change (SIFT: "Tolerated"; PolyPhen-2: "Possibly Damaging"; Align-GVGD: "Class C0"). This variant has not been reported in the literature in individuals affected with LDB3-related conditions. This variant is not present in population databases (gnomAD no frequency). This sequence change replaces serine, which is neutral and polar, with asparagine, which is neutral and polar, at codon 283 of the LDB3 protein (p.Ser283Asn).

NM_001368067.1(LDB3):c.848G>A (p.Ser283Asn)

Gene: LDB3 (LIM domain binding 3; plus strand). Cytogenetic location: 10q23.2.
Variant type: single nucleotide variant.
Coding change: c.848G>A on transcript NM_001368067.1 (MANE Plus Clinical); coding-DNA position 848, G replaced by A.
Protein change: p.Ser283Asn; replaces serine 283 with asparagine.
Molecular consequence: missense variant. On other transcripts: intron variant (6).
Genome position (GRCh38, 1-based): chr10:86,699,370, G>A. VCF-style: chr10-86699370-G-A. GRCh37 (hg19) VCF-style: chr10-88459127-G-A.
Other names: c.989G>A, p.Ser330Asn (NM_001080115.2, NM_001368063.1); c.848G>A, p.Ser283Asn (NM_001080116.1, NM_001368068.1); c.1193G>A, p.Ser398Asn (NM_001171611.2); c.896+6799G>A (NM_001368064.1, NM_007078.3, NM_001368065.1); c.1100+6799G>A (NM_001171610.2); c.755+6799G>A (NM_001368066.1, NM_001080114.2); short protein forms S283N, S398N, S330N.
Identifiers: ClinVar variation 2159077 (VCV002159077.4), dbSNP rs2492729634, ClinGen allele CA377445326.
Genomic context (GRCh38, chr10:86,699,370, plus strand): 5'-GTTTTGCCAAATTGCGCAACTGGCACCATGGCCTTTCAGCCCAAATCCTTAATGTTAAAA[G>A]CTAAAAGGCTGCCTGGAATCCCCCCACCCCAACAGGCTGGACTCCCTCCATCCTTACCCC-3'
Protein context (NP_001354996.1, residues 273-283): GLSAQILNVK[Ser283Asn]